The following is an entry in ClinVar:

NM_001352514.2(HLCS):c.2114_2121+5del

Gene: HLCS (holocarboxylase synthetase; minus strand). Cytogenetic location: 21q22.13.
Variant type: Deletion.
Coding change: c.2114_2121+5del on transcript NM_001352514.2 (MANE Select); coding-DNA position 2114 through 5 bases into the intron after coding-DNA position 2121, 13 bases deleted (AGTATCAGGTAGG).
Molecular consequence: splice donor variant.
Genome position (GRCh38, 1-based): chr21:36,765,007-36,765,019, CCTACCTGATACT deleted on the plus strand (AGTATCAGGTAGG on the coding strand, the reverse complement: HLCS is on the minus strand); deleting any 13 consecutive bases within chr21:36,765,007-36,765,020 gives the same sequence; the c. name uses the placement nearest the transcript's 3' end. VCF-style (leftmost placement, unchanged base first): chr21-36765006-ACCTACCTGATACT-A. GRCh37 (hg19) VCF-style: chr21-38137307-ACCTACCTGATACT-A.
Other names: c.1673_1680+5del (NM_001352517.1, NM_001242785.2, NM_001352515.2 and 4 more transcripts).
Identifiers: ClinVar variation 2111330 (VCV002111330.6), dbSNP rs2516871917, ClinGen allele CA2580098676.
Genomic context (GRCh38, chr21:36,765,006, plus strand): 5'-TAAACAAGAATAAGCCAGATTCTGCATGCATCCCAGGGACATAGAAGGAGACTGAACTGT[ACCTACCTGATACT>A]CGGGAATGGACCTCACTGCTTCCACGACAGCCACGGACATCAGATGCTGGACAAACGGGA-3'

ClinVar aggregate classification (germline): Likely pathogenic. Review status: criteria provided, multiple submitters, no conflicts (2 of 4 stars). 2 submissions from 2 submitters: Likely pathogenic (2). Last evaluated 2026-03-04.

Conditions:
Holocarboxylase synthetase deficiency. Also called: MULTIPLE CARBOXYLASE DEFICIENCY, EARLY ONSET. Identifiers: Orphanet 79242, MedGen C0268581, MONDO:0009666, OMIM 253270.

Submissions (2):

Dasa
Classification: Likely pathogenic. Last evaluated: 2026-03-04. Review status: criteria provided, single submitter. Criteria: DASA Assertion Criteria. Collection method: clinical testing. Allele origin: germline.
Comment: NM_001352514.2(HLCS):c.2114_2121+5del is a splice-region variant predicted to affect normal RNA splicing. This variant is rare in population databases. Based on the currently available evidence, this variant is classified as likely pathogenic.

Labcorp Genetics (formerly Invitae), Labcorp
Classification: Likely pathogenic for Holocarboxylase synthetase deficiency. Last evaluated: 2022-08-01. Review status: criteria provided, single submitter. Criteria: Invitae Variant Classification Sherloc (09022015). Collection method: clinical testing. Allele origin: germline.
Comment: This variant results in the deletion of part of exon 9 (c.1673_1680+5del) of the HLCS gene. It is expected to disrupt RNA splicing. Variants that disrupt the donor or acceptor splice site typically lead to a loss of protein function (PMID: 16199547), and loss-of-function variants in HLCS are known to be pathogenic (PMID: 16134170). This variant is not present in population databases (gnomAD no frequency). This variant has not been reported in the literature in individuals affected with HLCS-related conditions. Algorithms developed to predict the effect of sequence changes on RNA splicing suggest that this variant may disrupt the consensus splice site. In summary, the currently available evidence indicates that the variant is pathogenic, but additional data are needed to prove that conclusively. Therefore, this variant has been classified as Likely Pathogenic.

Literature cited by the submitters: PubMed 16199547 (cited by Labcorp Genetics (formerly Invitae), Labcorp); PubMed 16134170 (cited by Labcorp Genetics (formerly Invitae), Labcorp).